The following is an entry in ClinVar:

ClinVar aggregate classification (germline): Conflicting classifications of pathogenicity. Review status: criteria provided, conflicting classifications (1 of 4 stars). 2 submissions from 2 submitters: Likely pathogenic (1); Uncertain significance (1). Last evaluated 2025-02-26.

Conditions:
3M syndrome 3. Also called: THREE M SYNDROME 3; 3-M Syndrome, CCDC8-Related. Identifiers: Orphanet 2616, MedGen C3280146, MONDO:0013627, OMIM 614205.

gnomAD v4.1: 1 of 1,614,206 alleles (0.000062%); highest among the groups gnomAD compares: Non-Finnish European, 0.000085%; no homozygotes.

Submissions (2):

Labcorp Genetics (formerly Invitae), Labcorp
Classification: Uncertain significance. Last evaluated: 2025-02-26. Review status: criteria provided, single submitter. Criteria: Invitae Variant Classification Sherloc (09022015). Collection method: clinical testing. Allele origin: germline.
Comment: This sequence change creates a premature translational stop signal (p.Trp497*) in the CCDC8 gene. While this is not anticipated to result in nonsense mediated decay, it is expected to disrupt the last 42 amino acid(s) of the CCDC8 protein. This variant is not present in population databases (gnomAD no frequency). This variant has not been reported in the literature in individuals affected with CCDC8-related conditions. Experimental studies and prediction algorithms are not available or were not evaluated, and the functional significance of this variant is currently unknown. In summary, the available evidence is currently insufficient to determine the role of this variant in disease. Therefore, it has been classified as a Variant of Uncertain Significance.

Department of Pathology and Laboratory Medicine, Sinai Health System
Classification: Likely pathogenic for 3M syndrome 3. Last evaluated: 2022-04-05. Review status: criteria provided, single submitter. Criteria: ACMG Guidelines, 2015. Collection method: research. Allele origin: germline.

NM_032040.5(CCDC8):c.1491G>A (p.Trp497Ter)

Gene: CCDC8 (coiled-coil domain containing 8 subunit of 3M complex; minus strand). Cytogenetic location: 19q13.32.
Variant type: single nucleotide variant.
Coding change: c.1491G>A on transcript NM_032040.5 (MANE Select); coding-DNA position 1491, G replaced by A.
Protein change: p.Trp497Ter; replaces tryptophan 497 with a stop codon.
Molecular consequence: nonsense.
Genome position (GRCh38, 1-based): chr19:46,411,320, C>T on the plus strand (G>A on the coding strand, the complement: CCDC8 is on the minus strand). VCF-style: chr19-46411320-C-T. GRCh37 (hg19) VCF-style: chr19-46914577-C-T.
Other names: short protein forms W497*.
Identifiers: ClinVar variation 3779009 (VCV003779009.2).
Genomic context (GRCh38, chr19:46,411,320, plus strand): 5'-GTTCCTGGCCTCTCCTGCCCTGGGGACTCTCTTGGGCAGGGTTGGCAACCGGGGAGTGTG[C>T]CAGAAGGCTCTCCGGCGCTTGCAAAACCACGAAAAGCGTCCAGGGGTCTGGAACCTCACT-3'